The following is an entry in ClinVar:

ClinVar aggregate classification (germline): Uncertain significance. Review status: criteria provided, multiple submitters, no conflicts (2 of 4 stars). 3 submissions from 3 submitters: Uncertain significance (2). 1 of the submissions does not count toward it. Last evaluated 2024-08-14.

Conditions:
Inborn genetic diseases. Identifiers: MedGen C0950123, MeSH D030342.
Ehlers-Danlos syndrome, dermatosparaxis type. Also called: Dermatosparaxis; EDS VIIC; Ehlers-Danlos syndrome, type VII, autosomal recessive. Identifiers: Orphanet 1901, MedGen C2700425, MONDO:0009161, OMIM 225410.

Allele frequency attached by ClinVar (database versions not stated): TOPMed 0.00007; ExAC 0.00008; gnomAD exomes 0.00008.
gnomAD v4.1: 30 of 1,611,566 alleles (0.0019%); highest among the groups gnomAD compares: East Asian, 0.058%; no homozygotes.

Submissions (3):

Ambry Genetics
Classification: Uncertain significance for Inborn genetic diseases. Last evaluated: 2024-08-14. Review status: criteria provided, single submitter. Criteria: Ambry Variant Classification Scheme 2023. Collection method: clinical testing. Allele origin: germline.

Labcorp Genetics (formerly Invitae), Labcorp
Classification: Uncertain significance for Ehlers-Danlos syndrome, dermatosparaxis type. Last evaluated: 2022-10-13. Review status: criteria provided, single submitter. Criteria: Invitae Variant Classification Sherloc (09022015). Collection method: clinical testing. Allele origin: germline.
Comment: This sequence change replaces aspartic acid, which is acidic and polar, with tyrosine, which is neutral and polar, at codon 237 of the ADAMTS2 protein (p.Asp237Tyr). This variant is present in population databases (rs768334305, gnomAD 0.1%). This variant has not been reported in the literature in individuals affected with ADAMTS2-related conditions. ClinVar contains an entry for this variant (Variation ID: 966792). Algorithms developed to predict the effect of missense changes on protein structure and function are either unavailable or do not agree on the potential impact of this missense change (SIFT: "Deleterious"; PolyPhen-2: "Benign"; Align-GVGD: "Class C65"). In summary, the available evidence is currently insufficient to determine the role of this variant in disease. Therefore, it has been classified as a Variant of Uncertain Significance.

Natera, Inc.
Classification: Uncertain significance for Ehlers-Danlos syndrome type VIIC. Last evaluated: 2020-01-20. Review status: no assertion criteria provided. Collection method: clinical testing. Allele origin: germline. Not counted in ClinVar's aggregate classification.

NM_014244.5(ADAMTS2):c.709G>T (p.Asp237Tyr)

Gene: ADAMTS2 (ADAM metallopeptidase with thrombospondin type 1 motif 2; minus strand). Cytogenetic location: 5q35.3.
Variant type: single nucleotide variant.
Coding change: c.709G>T on transcript NM_014244.5 (MANE Select); coding-DNA position 709, G replaced by T.
Protein change: p.Asp237Tyr; replaces aspartic acid 237 with tyrosine.
Molecular consequence: missense variant.
Genome position (GRCh38, 1-based): chr5:179,207,695, C>A on the plus strand (G>T on the coding strand, the complement: ADAMTS2 is on the minus strand). VCF-style: chr5-179207695-C-A. GRCh37 (hg19) VCF-style: chr5-178634696-C-A.
Other names: c.709G>T, p.Asp237Tyr (NM_021599.4); short protein forms D237Y.
Identifiers: ClinVar variation 966792 (VCV000966792.8), dbSNP rs768334305, ClinGen allele CA3596199.
Genomic context (GRCh38, chr5:179,207,695, plus strand): 5'-CCCTCCGCCTCGAGCTGTTGGCGTGCTCCTCTAGGACGCCCAGGGCGCGGCTGAGGCTGT[C>A]CAGGCTGTCCAGGGAGGCCCCTGCAAGGAGAGGACACCGTCTTCAGCGGCAGGGCAAACC-3'
Protein context (NP_055059.2, residues 227-247): LDTGASLDSL[Asp237Tyr]SLSRALGVLE